The following is an entry in ClinVar:

ClinVar aggregate classification (germline): Uncertain significance (1 of 4 stars; one submission).

Submission:

Labcorp Genetics (formerly Invitae), Labcorp
Classification: Uncertain significance. Last evaluated: 2026-01-28. Review status: criteria provided, single submitter. Criteria: Invitae Variant Classification Sherloc (09022015). Collection method: clinical testing. Allele origin: germline.
Comment: This sequence change replaces alanine, which is neutral and non-polar, with serine, which is neutral and polar, at codon 1574 of the POLE protein (p.Ala1574Ser). This variant is not present in population databases (gnomAD no frequency). This variant has not been reported in the literature in individuals affected with POLE-related conditions. Invitae Evidence Modeling of protein sequence and biophysical properties (such as structural, functional, and spatial information, amino acid conservation, physicochemical variation, residue mobility, and thermodynamic stability) indicates that this missense variant is not expected to disrupt POLE protein function with a negative predictive value of 80%. In summary, the available evidence is currently insufficient to determine the role of this variant in disease. Therefore, it has been classified as a Variant of Uncertain Significance.

NM_006231.4(POLE):c.4720G>T (p.Ala1574Ser)

Gene: POLE (DNA polymerase epsilon, catalytic subunit; minus strand). Cytogenetic location: 12q24.33.
Variant type: single nucleotide variant.
Coding change: c.4720G>T on transcript NM_006231.4 (MANE Select); coding-DNA position 4720, G replaced by T.
Protein change: p.Ala1574Ser; replaces alanine 1574 with serine.
Molecular consequence: missense variant.
Genome position (GRCh38, 1-based): chr12:132,642,828, C>A on the plus strand (G>T on the coding strand, the complement: POLE is on the minus strand). VCF-style: chr12-132642828-C-A. GRCh37 (hg19) VCF-style: chr12-133219414-C-A.
Other names: short protein forms A1574S.
Identifiers: ClinVar variation 4798649 (VCV004798649.1).